The following is an entry in ClinVar:

NM_007294.4(BRCA1):c.3277G>T (p.Val1093Phe)

Genes: BRCA1 (BRCA1 DNA repair associated; minus strand), LOC126862571 (BRD4-independent group 4 enhancer GRCh37_chr17:41243136-41244335; plus strand). Cytogenetic location: 17q21.31.
Variant type: single nucleotide variant.
Coding change: c.3277G>T on transcript NM_007294.4 (MANE Select); coding-DNA position 3277, G replaced by T.
Protein change: p.Val1093Phe; replaces valine 1093 with phenylalanine.
Molecular consequence: missense variant. On other transcripts: intron variant (137).
Genome position (GRCh38, 1-based): chr17:43,092,254, C>A on the plus strand (G>T on the coding strand, the complement: BRCA1 is on the minus strand). VCF-style: chr17-43092254-C-A. GRCh37 (hg19) VCF-style: chr17-41244271-C-A.
Other names: c.3196G>T, p.Val1066Phe (NM_001407660.1, NM_001407661.1, NM_001407662.1 and 1 more transcripts); c.3199G>T, p.Val1067Phe (NM_001407663.1, NM_001407653.1, NM_001407654.1 and 4 more transcripts); c.3154G>T, p.Val1052Phe (NM_001407664.1, NM_001407665.1, NM_001407666.1 and 19 more transcripts); c.3151G>T, p.Val1051Phe (NM_001407670.1, NM_001407671.1, NM_001407672.1 and 11 more transcripts); c.3277G>T, p.Val1093Phe (NM_001407684.1, NM_001407854.1, NM_001407858.1 and 30 more transcripts); c.3136G>T, p.Val1046Phe (NM_001407692.1, NM_001407694.1, NM_001407695.1 and 29 more transcripts); c.3133G>T, p.Val1045Phe (NM_001407740.1, NM_001407741.1, NM_001407742.1 and 20 more transcripts); c.3064G>T, p.Val1022Phe (NM_001407853.1, NM_001407894.1, NM_001407895.1 and 9 more transcripts); and 41 more; short protein forms V1093F, V1046F, V1005F, V965F, V1066F, V1090F, V966F, V982F.
Identifiers: ClinVar variation 133724 (VCV000133724.24), dbSNP rs587778117, ClinGen allele CA002115.
Genomic context (GRCh38, chr17:43,092,254, plus strand): 5'-ATTCTTGCTTTTTTATTTCAGGATGCTTACAATTACTTCCAGGAAGACTTTGTTTATAGA[C>A]CTCAGGTTGCAAAACCCCTAATCTAAGCATAGCATTCAATTTTGGCCCTCTGTTTCTACC-3'
Protein context (NP_009225.1, residues 1083-1103): MLRLGVLQPE[Val1093Phe]YKQSLPGSNC

ClinVar aggregate classification (germline): Conflicting classifications of pathogenicity. Review status: criteria provided, conflicting classifications (1 of 4 stars). 6 submissions from 6 submitters: Uncertain significance (4); Likely benign (1). 1 of the submissions does not count toward it. Last evaluated 2025-11-12.

Conditions:
Hereditary cancer-predisposing syndrome. Also called: Tumor predisposition; Hereditary neoplastic syndrome; Hereditary Cancer Syndrome; Neoplastic Syndromes, Hereditary. Identifiers: Orphanet 140162, MedGen C0027672, MeSH D009386, MONDO:0015356.
Hereditary breast ovarian cancer syndrome. Also called: Hereditary breast and/or ovarian cancer syndrome; Breast and ovarian cancer; Hereditary breast and ovarian cancer syndrome; Hereditary breast and ovarian cancer; Hereditary breast and ovarian cancer syndrome (HBOC); BRCA1- and BRCA2-Associated Hereditary Breast and Ovarian Cancer. Identifiers: Orphanet 145, MedGen C0677776, MeSH D061325, MONDO:0003582. Disease mechanism: loss of function.
Breast-ovarian cancer, familial, susceptibility to, 1 (BROVCA1). Also called: BRCA1 Hereditary Breast and Ovarian Cancer; OVARIAN CANCER, SUSCEPTIBILITY TO. Identifiers: Orphanet 145, MedGen C2676676, MONDO:0011450, OMIM 604370. Disease mechanism: loss of function.

Submissions (6):

Labcorp Genetics (formerly Invitae), Labcorp
Classification: Uncertain significance for Hereditary breast ovarian cancer syndrome. Last evaluated: 2025-11-12. Review status: criteria provided, single submitter. Criteria: Invitae Variant Classification Sherloc (09022015). Collection method: clinical testing. Allele origin: germline.
Comment: This sequence change replaces valine, which is neutral and non-polar, with phenylalanine, which is neutral and non-polar, at codon 1093 of the BRCA1 protein (p.Val1093Phe). This variant is not present in population databases (gnomAD no frequency). This variant has not been reported in the literature in individuals affected with BRCA1-related conditions. ClinVar contains an entry for this variant (Variation ID: 133724). Invitae Evidence Modeling of protein sequence and biophysical properties (such as structural, functional, and spatial information, amino acid conservation, physicochemical variation, residue mobility, and thermodynamic stability) has been performed for this missense variant. However, the output from this modeling did not meet the statistical confidence thresholds required to predict the impact of this variant on BRCA1 protein function. In summary, the available evidence is currently insufficient to determine the role of this variant in disease. Therefore, it has been classified as a Variant of Uncertain Significance.

Ambry Genetics
Classification: Uncertain significance for Hereditary cancer-predisposing syndrome. Last evaluated: 2024-11-16. Review status: criteria provided, single submitter. Criteria: Ambry Variant Classification Scheme 2023. Collection method: clinical testing. Allele origin: germline.
Comment: The p.V1093F variant (also known as c.3277G>T), located in coding exon 9 of the BRCA1 gene, results from a G to T substitution at nucleotide position 3277. The valine at codon 1093 is replaced by phenylalanine, an amino acid with highly similar properties. This amino acid position is not well conserved in available vertebrate species. In addition, the in silico prediction for this alteration is inconclusive. Since supporting evidence is limited at this time, the clinical significance of this alteration remains unclear.

All of Us Research Program, National Institutes of Health
Classification: Uncertain significance for Breast-ovarian cancer, familial, susceptibility to, 1. Last evaluated: 2023-07-19. Review status: criteria provided, single submitter. Criteria: ACMG Guidelines, 2015. Collection method: clinical testing. Allele origin: germline. Inheritance: Autosomal dominant inheritance. Observed: 1 variant allele, 1 heterozygote.
Comment: This missense variant replaces valine with phenylalanine at codon 1093 of the BRCA1 protein. Computational prediction is inconclusive regarding the impact of this variant on protein structure and function (internally defined REVEL score threshold 0.5 < inconclusive < 0.7, PMID: 27666373). Splice site prediction tools suggest that this variant may not impact RNA splicing. To our knowledge, functional studies have not been performed for this variant. This variant has been reported in a healthy individual (PMID: 24728327). This variant has not been identified in the general population by the Genome Aggregation Database (gnomAD). The available evidence is insufficient to determine the role of this variant in disease conclusively. Therefore, this variant is classified as a Variant of Uncertain Significance.

This study involves interpretation of variants in research participants for the purpose of population health screening. Participant phenotype was not available at the time of variant classification. Additional details can be found in publication PMID: 35346344, PMCID: PMC8962531

Color Diagnostics, LLC DBA Color Health
Classification: Uncertain significance for Hereditary cancer-predisposing syndrome. Last evaluated: 2023-07-01. Review status: criteria provided, single submitter. Criteria: ACMG Guidelines, 2015. Collection method: clinical testing. Allele origin: germline.
Comment: This missense variant replaces valine with phenylalanine at codon 1093 of the BRCA1 protein. Computational prediction is inconclusive regarding the impact of this variant on protein structure and function (internally defined REVEL score threshold 0.5 < inconclusive < 0.7, PMID: 27666373). To our knowledge, functional studies have not been performed for this variant. This variant has been reported in a healthy individual (PMID: 24728327). This variant has not been identified in the general population by the Genome Aggregation Database (gnomAD). The available evidence is insufficient to determine the role of this variant in disease conclusively. Therefore, this variant is classified as a Variant of Uncertain Significance.

University of Washington Department of Laboratory Medicine, University of Washington
Classification: Likely benign for Hereditary cancer-predisposing syndrome. Last evaluated: 2023-03-23. Review status: criteria provided, single submitter. Criteria: Dines et al. (Genet Med. 2020). Collection method: curation. Allele origin: germline.
Comment: Missense variant in a coldspot region where missense variants are very unlikely to be pathogenic (PMID:31911673).

BRCA1 coldspot (exon 11 using historical exon numbering). Reclassification based on statistical prior probability

ITMI
No classification provided. Condition: AllHighlyPenetrant. Last evaluated: 2013-09-19. Review status: no classification provided. Collection method: reference population. Allele origin: germline. Not counted in ClinVar's aggregate classification.
Comment: Please see associated publication for description of ethnicities

Literature cited by the submitters: PubMed 24728327 (cited by 4 submitters).